The following is an entry in ClinVar:

ClinVar aggregate classification (germline): Likely benign. Review status: criteria provided, single submitter (1 of 4 stars). 2 submissions from 2 submitters: Likely benign (1). 1 of the submissions does not count toward it. Last evaluated 2025-04-28.

Conditions:
DNAH9-related disorder. Also called: DNAH9-related condition.

Allele frequency attached by ClinVar (database versions not stated): gnomAD 0.00001.
gnomAD v4.1: 4 of 1,394,368 alleles (0.00029%); highest among the groups gnomAD compares: Non-Finnish European, 0.00037%; no homozygotes.

Submissions (2):

Labcorp Genetics (formerly Invitae), Labcorp
Classification: Likely benign. Last evaluated: 2025-04-28. Review status: criteria provided, single submitter. Criteria: Invitae Variant Classification Sherloc (09022015). Collection method: clinical testing. Allele origin: germline.

PreventionGenetics, part of Exact Sciences
Classification: Likely benign for DNAH9-related condition. Last evaluated: 2021-04-26. Review status: no assertion criteria provided. Collection method: clinical testing. Allele origin: germline. Not counted in ClinVar's aggregate classification.
Comment: This variant is classified as likely benign based on ACMG/AMP sequence variant interpretation guidelines (Richards et al. 2015 PMID: 25741868, with internal and published modifications).

NM_001372.4(DNAH9):c.27G>T (p.Ala9=)

Gene: DNAH9 (dynein axonemal heavy chain 9; plus strand). Cytogenetic location: 17p12.
Variant type: single nucleotide variant.
Coding change: c.27G>T on transcript NM_001372.4 (MANE Select); coding-DNA position 27, G replaced by T.
Protein change: p.Ala9=; no amino-acid change (alanine 9 retained).
Molecular consequence: synonymous variant.
Genome position (GRCh38, 1-based): chr17:11,598,525, G>T. VCF-style: chr17-11598525-G-T. GRCh37 (hg19) VCF-style: chr17-11501842-G-T.
Identifiers: ClinVar variation 3031320 (VCV003031320.3), dbSNP rs755465095, ClinGen allele CA497863463.